The following is an entry in ClinVar:

ClinVar aggregate classification (germline): Uncertain significance (1 of 4 stars; one submission).

Allele frequency attached by ClinVar (database versions not stated): gnomAD exomes below 0.00001.
gnomAD v4.1: 2 of 1,613,698 alleles (0.00012%); highest among the groups gnomAD compares: Admixed American, 0.0017%; no homozygotes.

Submission:

Labcorp Genetics (formerly Invitae), Labcorp
Classification: Uncertain significance. Last evaluated: 2022-07-07. Review status: criteria provided, single submitter. Criteria: Invitae Variant Classification Sherloc (09022015). Collection method: clinical testing. Allele origin: germline.
Comment: This variant has not been reported in the literature in individuals affected with CCT2-related conditions. This sequence change replaces lysine, which is basic and polar, with glutamic acid, which is acidic and polar, at codon 263 of the CCT2 protein (p.Lys263Glu). This variant is present in population databases (no rsID available, gnomAD 0.003%). Algorithms developed to predict the effect of missense changes on protein structure and function are either unavailable or do not agree on the potential impact of this missense change (SIFT: "Deleterious"; PolyPhen-2: "Benign"; Align-GVGD: "Class C55"). In summary, the available evidence is currently insufficient to determine the role of this variant in disease. Therefore, it has been classified as a Variant of Uncertain Significance.

NM_006431.3(CCT2):c.787A>G (p.Lys263Glu)

Gene: CCT2 (chaperonin containing TCP1 subunit 2; plus strand). Cytogenetic location: 12q15.
Variant type: single nucleotide variant.
Coding change: c.787A>G on transcript NM_006431.3 (MANE Select); coding-DNA position 787, A replaced by G.
Protein change: p.Lys263Glu; replaces lysine 263 with glutamic acid.
Molecular consequence: missense variant.
Genome position (GRCh38, 1-based): chr12:69,593,012, A>G. VCF-style: chr12-69593012-A-G. GRCh37 (hg19) VCF-style: chr12-69986792-A-G.
Other names: c.646A>G, p.Lys216Glu (NM_001198842.2); short protein forms K216E, K263E.
Identifiers: ClinVar variation 1954143 (VCV001954143.5), dbSNP rs1221753965, ClinGen allele CA385728308.